The following is an entry in ClinVar:

ClinVar aggregate classification (germline): Benign/Likely benign. Review status: criteria provided, multiple submitters, no conflicts (2 of 4 stars). 4 submissions from 4 submitters: Benign (1); Likely benign (3). Last evaluated 2026-04-14.

Conditions:
DICER1-related tumor predisposition. Also called: DICER1 syndrome; DICER1-related pleuropulmonary blastoma cancer predisposition syndrome. Identifiers: Orphanet 284343, MedGen C3839822, MONDO:0100216.
Hereditary cancer-predisposing syndrome. Also called: Hereditary neoplastic syndrome; Neoplastic Syndromes, Hereditary; Tumor predisposition; Hereditary Cancer Syndrome. Identifiers: Orphanet 140162, MedGen C0027672, MeSH D009386, MONDO:0015356.

Allele frequency attached by ClinVar (database versions not stated): gnomAD exomes below 0.00001; TOPMed below 0.00001; ExAC 0.00001.
gnomAD v4.1: 1 of 1,614,024 alleles (0.000062%); highest among the groups gnomAD compares: Admixed American, 0.0017%; no homozygotes.

Submissions (4):

Myriad Genetics, Inc.
Classification: Benign for DICER1-related tumor predisposition. Last evaluated: 2026-04-14. Review status: criteria provided, single submitter. Criteria: Myriad Autosomal Dominant, Autosomal Recessive and X-Linked Classification Criteria (2023). Collection method: clinical testing. Allele origin: unknown.
Comment: This variant is considered benign. This variant is a silent/synonymous amino acid change and it is not expected to impact splicing.

Labcorp Genetics (formerly Invitae), Labcorp
Classification: Likely benign for DICER1-related tumor predisposition. Last evaluated: 2025-05-06. Review status: criteria provided, single submitter. Criteria: Invitae Variant Classification Sherloc (09022015). Collection method: clinical testing. Allele origin: germline.

Ambry Genetics
Classification: Likely benign for Hereditary cancer-predisposing syndrome. Last evaluated: 2022-03-03. Review status: criteria provided, single submitter. Criteria: Ambry Variant Classification Scheme 2023. Collection method: clinical testing. Allele origin: germline.

ARUP Laboratories, Molecular Genetics and Genomics, ARUP Laboratories
Classification: Likely benign. Last evaluated: 2021-08-26. Review status: criteria provided, single submitter. Criteria: ARUP Molecular Germline Variant Investigation Process 2021. Collection method: clinical testing. Allele origin: germline.

NM_177438.3(DICER1):c.177T>C (p.Asn59=)

Gene: DICER1 (dicer 1, ribonuclease III; minus strand). Cytogenetic location: 14q32.13.
Variant type: single nucleotide variant.
Coding change: c.177T>C on transcript NM_177438.3 (MANE Select); coding-DNA position 177, T replaced by C.
Protein change: p.Asn59=; no amino-acid change (asparagine 59 retained).
Molecular consequence: synonymous variant.
Genome position (GRCh38, 1-based): chr14:95,132,645, A>G on the plus strand (T>C on the coding strand, the complement: DICER1 is on the minus strand). VCF-style: chr14-95132645-A-G. GRCh37 (hg19) VCF-style: chr14-95598982-A-G.
Other names: c.177T>C, p.Asn59= (NM_001195573.1, NM_001271282.3, NM_001291628.2 and 1 more transcripts).
Identifiers: ClinVar variation 1330563 (VCV001330563.12), dbSNP rs780984249, ClinGen allele CA7331718.